The following is an entry in ClinVar:

ClinVar aggregate classification (germline): Likely pathogenic (1 of 4 stars; one submission).

Conditions:
Recessive dystrophic epidermolysis bullosa (RDEB). Also called: epidermolysis bullosa dystrophica, autosomal recessive; Recessive DEB (RDEB); DYSTROPHIC EPIDERMOLYSIS BULLOSA, AUTOSOMAL RECESSIVE; EPIDERMOLYSIS BULLOSA DYSTROPHICA, HALLOPEAU-SIEMENS TYPE; severe generalized recessive dystrophic epidermolysis bullosa; Hallopeau-Siemens Disease. Identifiers: Orphanet 79408, Orphanet 79409, MedGen C0079474, MONDO:0009179, OMIM 226600.

Submission:

HUSP Clinical Genetics Laboratory, Hospital Universitario San Pedro De Logroño (HUSP)
Classification: Likely pathogenic for Recessive dystrophic epidermolysis bullosa. Review status: criteria provided, single submitter. Criteria: ACMG Guidelines, 2015. Collection method: clinical testing. Allele origin: maternal. Inheritance: Autosomal recessive inheritance. Affected: yes. Observed: 1 variant allele.
Comment: The c.7624G>A variant in the 103 exon of the COL7A1 (NM_000094.4) gen results in a change of the predicted protein because of a substitution of a glycine amino acid for arginine (p.Gly2542Arg). This variant has not been reported previously in the literature and it is not detected in general population. The variant c.8371C>T results in a substitution of an arginine amino acid for tryptophane (p.Arg2791Trp). Pathogenic variants in the COL7A1 gene have been associated with the following phenotype: Epidermolysis bullosa dystrophica (OMIM: 226600), with autosomal recesive inheritance. The father was not available to be analyzed.

NM_000094.4(COL7A1):c.7624G>A (p.Gly2542Arg)

Gene: COL7A1 (collagen type VII alpha 1 chain; minus strand). Cytogenetic location: 3p21.31.
Variant type: single nucleotide variant.
Coding change: c.7624G>A on transcript NM_000094.4 (MANE Select); coding-DNA position 7624, G replaced by A.
Protein change: p.Gly2542Arg; replaces glycine 2542 with arginine.
Molecular consequence: missense variant.
Genome position (GRCh38, 1-based): chr3:48,569,437, C>T on the plus strand (G>A on the coding strand, the complement: COL7A1 is on the minus strand). VCF-style: chr3-48569437-C-T. GRCh37 (hg19) VCF-style: chr3-48606870-C-T.
Other names: short protein forms G2542R.
Identifiers: ClinVar variation 2575089 (VCV002575089.1), dbSNP rs2530844081, ClinGen allele CA352643977.